The following is an entry in ClinVar:

ClinVar aggregate classification (germline): Uncertain significance (1 of 4 stars; one submission).

gnomAD v4.1: 1 of 1,614,066 alleles (0.000062%); highest among the groups gnomAD compares: South Asian, 0.0011%; no homozygotes.

Submission:

Labcorp Genetics (formerly Invitae), Labcorp
Classification: Uncertain significance. Last evaluated: 2023-11-19. Review status: criteria provided, single submitter. Criteria: Invitae Variant Classification Sherloc (09022015). Collection method: clinical testing. Allele origin: germline.
Comment: This sequence change replaces serine, which is neutral and polar, with alanine, which is neutral and non-polar, at codon 978 of the CDAN1 protein (p.Ser978Ala). This variant is not present in population databases (gnomAD no frequency). This variant has not been reported in the literature in individuals affected with CDAN1-related conditions. An algorithm developed to predict the effect of missense changes on protein structure and function (PolyPhen-2) suggests that this variant is likely to be disruptive. In summary, the available evidence is currently insufficient to determine the role of this variant in disease. Therefore, it has been classified as a Variant of Uncertain Significance.

NM_138477.4(CDAN1):c.2932T>G (p.Ser978Ala)

Gene: CDAN1 (codanin 1; minus strand). Cytogenetic location: 15q15.2.
Variant type: single nucleotide variant.
Coding change: c.2932T>G on transcript NM_138477.4 (MANE Select); coding-DNA position 2932, T replaced by G.
Protein change: p.Ser978Ala; replaces serine 978 with alanine.
Molecular consequence: missense variant.
Genome position (GRCh38, 1-based): chr15:42,727,970, A>C on the plus strand (T>G on the coding strand, the complement: CDAN1 is on the minus strand). VCF-style: chr15-42727970-A-C. GRCh37 (hg19) VCF-style: chr15-43020168-A-C.
Other names: short protein forms S978A.
Identifiers: ClinVar variation 2697506 (VCV002697506.3), dbSNP rs748594717, ClinGen allele CA392032824.